The following is an entry in ClinVar:

ClinVar aggregate classification (germline): Uncertain significance (1 of 4 stars; one submission).

Submission:

Labcorp Genetics (formerly Invitae), Labcorp
Classification: Uncertain significance. Last evaluated: 2022-08-22. Review status: criteria provided, single submitter. Criteria: Invitae Variant Classification Sherloc (09022015). Collection method: clinical testing. Allele origin: germline.
Comment: In summary, the available evidence is currently insufficient to determine the role of this variant in disease. Therefore, it has been classified as a Variant of Uncertain Significance. Algorithms developed to predict the effect of missense changes on protein structure and function output the following: SIFT: "Tolerated"; PolyPhen-2: "Benign"; Align-GVGD: "Class C0". The serine amino acid residue is found in multiple mammalian species, which suggests that this missense change does not adversely affect protein function. ClinVar contains an entry for this variant (Variation ID: 1352028). This variant has not been reported in the literature in individuals affected with AMER1-related conditions. This variant is not present in population databases (gnomAD no frequency). This sequence change replaces alanine, which is neutral and non-polar, with serine, which is neutral and polar, at codon 194 of the AMER1 protein (p.Ala194Ser).

NM_152424.4(AMER1):c.580G>T (p.Ala194Ser)

Gene: AMER1 (APC membrane recruitment protein 1; minus strand). Cytogenetic location: Xq11.2.
Variant type: single nucleotide variant.
Coding change: c.580G>T on transcript NM_152424.4 (MANE Select); coding-DNA position 580, G replaced by T.
Protein change: p.Ala194Ser; replaces alanine 194 with serine.
Molecular consequence: missense variant.
Genome position (GRCh38, 1-based): chrX:64,192,707, C>A on the plus strand (G>T on the coding strand, the complement: AMER1 is on the minus strand). VCF-style: chrX-64192707-C-A. GRCh37 (hg19) VCF-style: chrX-63412587-C-A.
Other names: short protein forms A194S.
Identifiers: ClinVar variation 1352028 (VCV001352028.8), dbSNP rs761582333, ClinGen allele CA413310479.